The following is an entry in ClinVar:

ClinVar aggregate classification (germline): Likely benign. Review status: criteria provided, multiple submitters, no conflicts (2 of 4 stars). 2 submissions from 2 submitters: Likely benign (2). Last evaluated 2026-05-15.

Conditions:
FHOD3-related disorder. Also called: FHOD3-related condition.

gnomAD v4.1: 71 of 1,611,374 alleles (0.0044%); highest among the groups gnomAD compares: Non-Finnish European, 0.005%; no homozygotes.

Submissions (2):

PreventionGenetics, part of Exact Sciences
Classification: Likely benign for FHOD3-related condition. Last evaluated: 2026-05-15. Review status: criteria provided, single submitter. Criteria: ACMG Guidelines, 2015. Collection method: clinical testing. Allele origin: germline.
Comment: This variant is classified as likely benign based on ACMG/AMP sequence variant interpretation guidelines (Richards et al. 2015 PMID: 25741868, with internal and published modifications).

Blueprint Genetics
Classification: Likely benign. Last evaluated: 2024-05-07. Review status: criteria provided, single submitter. Criteria: ACMG Guidelines, 2015. Collection method: clinical testing. Allele origin: germline.

NM_001281740.3(FHOD3):c.2703G>A (p.Ala901=)

Gene: FHOD3 (formin homology 2 domain containing 3; plus strand). Cytogenetic location: 18q12.2.
Variant type: single nucleotide variant.
Coding change: c.2703G>A on transcript NM_001281740.3 (MANE Select); coding-DNA position 2703, G replaced by A.
Protein change: p.Ala901=; no amino-acid change (alanine 901 retained).
Molecular consequence: synonymous variant.
Genome position (GRCh38, 1-based): chr18:36,718,001, G>A. VCF-style: chr18-36718001-G-A. GRCh37 (hg19) VCF-style: chr18-34297964-G-A.
Other names: c.2703G>A (NM_001281740.2); c.2127G>A, p.Ala709= (NM_001281739.3); c.2178G>A, p.Ala726= (NM_025135.5).
Identifiers: ClinVar variation 4938785 (VCV004938785.2).
Genomic context (GRCh38, chr18:36,718,001, plus strand): 5'-TCCGGATGATGAGGAGAAGGGGGATGGGGAGGCTGGGAGGACCCAGCAGGAGGCAGAGGC[G>A]GTAGCCAGCCTTGCTACCAGGATATCCACCCTGCAGGCCAACTCTCAGACCCAGGATGAG-3'
Protein context (NP_001268669.1, residues 891-911): EAGRTQQEAE[Ala901=]VASLATRIST